The following is an entry in ClinVar:

NM_000057.4(BLM):c.3730G>T (p.Val1244Phe)

Gene: BLM (BLM RecQ like helicase; plus strand). Cytogenetic location: 15q26.1.
Variant type: single nucleotide variant.
Coding change: c.3730G>T on transcript NM_000057.4 (MANE Select); coding-DNA position 3730, G replaced by T.
Protein change: p.Val1244Phe; replaces valine 1244 with phenylalanine.
Molecular consequence: missense variant. On other transcripts: intron variant (1).
Genome position (GRCh38, 1-based): chr15:90,804,338, G>T. VCF-style: chr15-90804338-G-T. GRCh37 (hg19) VCF-style: chr15-91347568-G-T.
Other names: c.3730G>T, p.Val1244Phe (NM_001287246.2); c.2605G>T, p.Val869Phe (NM_001287248.2); c.3359-4799G>T (NM_001287247.2); c.3730G>T (NM_000057.2); short protein forms V1244F, V869F.
Identifiers: ClinVar variation 1000837 (VCV001000837.7), dbSNP rs1249106324, ClinGen allele CA393848270.

ClinVar aggregate classification (germline): Uncertain significance. Review status: criteria provided, multiple submitters, no conflicts (2 of 4 stars). 2 submissions from 2 submitters: Uncertain significance (2). Last evaluated 2024-03-28.

Conditions:
Hereditary cancer-predisposing syndrome. Also called: Neoplastic Syndromes, Hereditary; Tumor predisposition; Hereditary Cancer Syndrome; Hereditary neoplastic syndrome. Identifiers: Orphanet 140162, MedGen C0027672, MeSH D009386, MONDO:0015356.
Bloom syndrome (BLM). Also called: Bloom-Torre-Machacek syndrome. Identifiers: Orphanet 125, MedGen C0005859, MONDO:0008876, OMIM 210900.

Submissions (2):

Ambry Genetics
Classification: Uncertain significance for Hereditary cancer-predisposing syndrome. Last evaluated: 2024-03-28. Review status: criteria provided, single submitter. Criteria: Ambry Variant Classification Scheme 2023. Collection method: clinical testing. Allele origin: germline.
Comment: The p.V1244F variant (also known as c.3730G>T), located in coding exon 18 of the BLM gene, results from a G to T substitution at nucleotide position 3730. The valine at codon 1244 is replaced by phenylalanine, an amino acid with highly similar properties. This amino acid position is conserved. In addition, this alteration is predicted to be tolerated by in silico analysis. Based on the available evidence, the clinical significance of this alteration remains unclear.

Labcorp Genetics (formerly Invitae), Labcorp
Classification: Uncertain significance for Bloom syndrome. Last evaluated: 2021-08-30. Review status: criteria provided, single submitter. Criteria: Invitae Variant Classification Sherloc (09022015). Collection method: clinical testing. Allele origin: germline.
Comment: This sequence change replaces valine with phenylalanine at codon 1244 of the BLM protein (p.Val1244Phe). The valine residue is weakly conserved and there is a small physicochemical difference between valine and phenylalanine. This variant is not present in population databases (ExAC no frequency). This variant has not been reported in the literature in individuals affected with BLM-related conditions. Algorithms developed to predict the effect of missense changes on protein structure and function are either unavailable or do not agree on the potential impact of this missense change (SIFT: "Tolerated"; PolyPhen-2: "Possibly Damaging"; Align-GVGD: "Class C0"). In summary, the available evidence is currently insufficient to determine the role of this variant in disease. Therefore, it has been classified as a Variant of Uncertain Significance.